The following is an entry in ClinVar:

NM_014363.6(SACS):c.10437A>G (p.Lys3479=)

Gene: SACS (sacsin molecular chaperone; minus strand). Cytogenetic location: 13q12.12.
Variant type: single nucleotide variant.
Coding change: c.10437A>G on transcript NM_014363.6 (MANE Select); coding-DNA position 10437, A replaced by G.
Protein change: p.Lys3479=; no amino-acid change (lysine 3479 retained).
Molecular consequence: synonymous variant.
Genome position (GRCh38, 1-based): chr13:23,333,439, T>C on the plus strand (A>G on the coding strand, the complement: SACS is on the minus strand). VCF-style: chr13-23333439-T-C. GRCh37 (hg19) VCF-style: chr13-23907578-T-C.
Other names: c.9996A>G, p.Lys3332= (NM_001278055.2); c.10464A>G, p.Lys3488= (NM_001437336.1).
Identifiers: ClinVar variation 5040093 (VCV005040093.1).
Genomic context (GRCh38, chr13:23,333,439, plus strand): 5'-GTAGATCAAGTGCTCTAATTTTGCATCATAAGAGAGATTTTCAATTTTTGGTAAGAGGTG[T>C]TTCAAATATACCTCAAGATCATCTACAGGTACACAACCAATCACCTCATATAGTTCTTTT-3'
Protein context (NP_055178.3, residues 3469-3489): VPVDDLEVYL[Lys3479=]HLLPKIENLS

ClinVar aggregate classification (germline): Likely benign (1 of 4 stars; one submission).

gnomAD v4.1: 1 of 1,611,788 alleles (0.000062%); highest among the groups gnomAD compares: Non-Finnish European, 0.000085%; no homozygotes.

Submission:

CeGaT Center for Human Genetics Tuebingen
Classification: Likely benign. Last evaluated: 2026-07-01. Review status: criteria provided, single submitter. Criteria: CeGaT Center For Human Genetics Tuebingen Variant Classification Criteria Version 2. Collection method: clinical testing. Allele origin: germline. Affected: yes. Observed: 1 variant allele.
Comment: SACS: BP4, BP7